The following is an entry in ClinVar:

ClinVar aggregate classification (germline): Benign. Review status: criteria provided, single submitter (1 of 4 stars). 3 submissions from 2 submitters: Benign (2). 1 of the submissions does not count toward it. Last evaluated 2018-01-13.

Conditions:
Van der Woude syndrome 1. Also called: CLEFT LIP AND/OR PALATE WITH MUCOUS CYSTS OF LOWER LIP; van der Woude Syndrome (VWS). Identifiers: MedGen C4551864, MONDO:0007333, OMIM 119300.
IRF6-related condition. Also called: IRF6-related disorder; IRF6-Related Disorders. Identifiers: MedGen CN378148, MONDO:1040010.
Orofacial cleft 6, susceptibility to (OFC6). Also called: CLEFT LIP WITH OR WITHOUT CLEFT PALATE, NONSYNDROMIC, 6. Identifiers: MedGen C1837213, MONDO:0012141, OMIM 608864.

Allele frequency attached by ClinVar (database versions not stated): gnomAD 0.00028 and 0.00037; TOPMed 0.00043; 1000 Genomes Project 30x 0.00172; 1000 Genomes Project 0.00200.

Submissions (3):

Illumina Laboratory Services, Illumina
Classification: Benign for Orofacial cleft 6, susceptibility to. Last evaluated: 2018-01-13. Review status: criteria provided, single submitter. Criteria: ICSL Variant Classification Criteria 13 December 2019. Collection method: clinical testing. Allele origin: germline.
Comment: This variant was observed in the ICSL laboratory as part of a predisposition screen in an ostensibly healthy population. It had not been previously curated by ICSL or reported in the Human Gene Mutation Database (HGMD: prior to June 1st, 2018), and was therefore a candidate for classification through an automated scoring system. Utilizing variant allele frequency, disease prevalence and penetrance estimates, and inheritance mode, an automated score was calculated to assess if this variant is too frequent to cause the disease. Based on the score and internal cut-off values, a variant classified as benign is not then subjected to further curation. The score for this variant resulted in a classification of benign for this disease.

Illumina Laboratory Services, Illumina
Classification: Benign for Van der Woude syndrome 1. Last evaluated: 2018-01-13. Review status: criteria provided, single submitter. Criteria: ICSL Variant Classification Criteria 13 December 2019. Collection method: clinical testing. Allele origin: germline.
Comment: the same text as in the submission from Illumina Laboratory Services, Illumina above.

PreventionGenetics, part of Exact Sciences
Classification: Likely benign for IRF6-related condition. Last evaluated: 2019-06-05. Review status: no assertion criteria provided. Collection method: clinical testing. Allele origin: germline. Not counted in ClinVar's aggregate classification.
Comment: This variant is classified as likely benign based on ACMG/AMP sequence variant interpretation guidelines (Richards et al. 2015 PMID: 25741868, with internal and published modifications).

NM_006147.4(IRF6):c.-44G>A

Gene: IRF6 (interferon regulatory factor 6; minus strand). Cytogenetic location: 1q32.2.
Variant type: single nucleotide variant.
Coding change: c.-44G>A on transcript NM_006147.4 (MANE Select); 44 bases upstream of the start codon, G replaced by A.
Molecular consequence: 5 prime UTR variant. On other transcripts: intron variant (1).
Genome position (GRCh38, 1-based): chr1:209,802,012, C>T on the plus strand (G>A on the coding strand, the complement: IRF6 is on the minus strand). VCF-style: chr1-209802012-C-T. GRCh37 (hg19) VCF-style: chr1-209975357-C-T.
Other names: c.-112+3935G>A (NM_001206696.2).
Identifiers: ClinVar variation 295213 (VCV000295213.7), dbSNP rs2235376, ClinGen allele CA10609620.
Genomic context (GRCh38, chr1:209,802,012, plus strand): 5'-ACTCCAGAGTCCTCACTTACATGGAAGAGCAGGCAGTGTGTCCACAGGGATCTGAAGAGT[C>T]GGCTTGTCTTTCCCTTGACCGCTCAAAGATTCTGTATGGAGAAAAGGAGGGGTCTCAGCT-3'